The following is an entry in ClinVar:

ClinVar aggregate classification (germline): Pathogenic (1 of 4 stars; one submission).

Conditions:
Familial adenomatous polyposis 1 (FAP1). Also called: POLYPOSIS, ADENOMATOUS INTESTINAL; FAMILIAL ADENOMATOUS POLYPOSIS 1, ATTENUATED. Identifiers: MedGen C2713442, MONDO:0021056, OMIM 175100. Disease mechanism: loss of function.

Submission:

Labcorp Genetics (formerly Invitae), Labcorp
Classification: Pathogenic for Familial adenomatous polyposis 1. Last evaluated: 2021-09-14. Review status: criteria provided, single submitter. Criteria: Invitae Variant Classification Sherloc (09022015). Collection method: clinical testing. Allele origin: germline.
Comment: For these reasons, this variant has been classified as Pathogenic. This variant has not been reported in the literature in individuals affected with APC-related conditions. This variant is a gross deletion of the genomic region encompassing exon(s) 1-4 of the APC gene, which includes the initiator codon. This deletion extends beyond the assayed region for this gene and therefore may encompass additional genes. It is expected to result in an absent or disrupted protein product. Loss-of-function variants in APC are known to be pathogenic (PMID: 17963004, 20685668).

Literature cited by the submitters: PubMed 17963004; PubMed 20685668.

NC_000005.9:g.(?_112043009)_(112103097_?)del

Gene: APC (APC regulator of Wnt signaling pathway; plus strand). Cytogenetic location: 5q22.2.
Variant type: Deletion.
Identifiers: ClinVar variation 1456890 (VCV001456890.4).